The following is an entry in ClinVar:

ClinVar aggregate classification (germline): Uncertain significance. Review status: criteria provided, multiple submitters, no conflicts (2 of 4 stars). 2 submissions from 2 submitters: Uncertain significance (2). Last evaluated 2024-11-04.

Conditions:
Xanthinuria type II. Also called: Xanthine dehydrogenase and aldehyde oxidase combined deficiency of; XDH and AOX dual deficiency. Identifiers: Orphanet 3467, Orphanet 93602, MedGen C1863688, MONDO:0011346, OMIM 603592.
Hereditary xanthinuria type 1 (XAN1). Identifiers: Orphanet 3467, Orphanet 93601, MedGen C0268118, MONDO:0010209, OMIM 278300.

Allele frequency attached by ClinVar (database versions not stated): gnomAD exomes below 0.00001; gnomAD 0.00001; TOPMed 0.00002.

Submissions (2):

Labcorp Genetics (formerly Invitae), Labcorp
Classification: Uncertain significance for Xanthinuria type II. Last evaluated: 2024-11-04. Review status: criteria provided, single submitter. Criteria: Invitae Variant Classification Sherloc (09022015). Collection method: clinical testing. Allele origin: germline.
Comment: This sequence change replaces histidine, which is basic and polar, with arginine, which is basic and polar, at codon 1213 of the XDH protein (p.His1213Arg). This variant is present in population databases (rs368774203, gnomAD 0.006%). This variant has not been reported in the literature in individuals affected with XDH-related conditions. ClinVar contains an entry for this variant (Variation ID: 933855). An algorithm developed to predict the effect of missense changes on protein structure and function (PolyPhen-2) suggests that this variant is likely to be tolerated. In summary, the available evidence is currently insufficient to determine the role of this variant in disease. Therefore, it has been classified as a Variant of Uncertain Significance.

Fulgent Genetics
Classification: Uncertain significance for Hereditary xanthinuria type 1. Last evaluated: 2024-05-17. Review status: criteria provided, single submitter. Criteria: ACMG Guidelines, 2015. Collection method: clinical testing. Allele origin: germline.

NM_000379.4(XDH):c.3638A>G (p.His1213Arg)

Gene: XDH (xanthine dehydrogenase; minus strand). Cytogenetic location: 2p23.1.
Variant type: single nucleotide variant.
Coding change: c.3638A>G on transcript NM_000379.4 (MANE Select); coding-DNA position 3638, A replaced by G.
Protein change: p.His1213Arg; replaces histidine 1213 with arginine.
Molecular consequence: missense variant.
Genome position (GRCh38, 1-based): chr2:31,339,625, T>C on the plus strand (A>G on the coding strand, the complement: XDH is on the minus strand). VCF-style: chr2-31339625-T-C. GRCh37 (hg19) VCF-style: chr2-31562491-T-C.
Other names: short protein forms H1213R.
Identifiers: ClinVar variation 933855 (VCV000933855.10), dbSNP rs368774203, ClinGen allele CA44715366.